The following is an entry in ClinVar:

NM_000183.3(HADHB):c.1378G>C (p.Ala460Pro)

Gene: HADHB (hydroxyacyl-CoA dehydrogenase trifunctional multienzyme complex subunit beta; plus strand). Cytogenetic location: 2p23.3.
Variant type: single nucleotide variant.
Coding change: c.1378G>C on transcript NM_000183.3 (MANE Select); coding-DNA position 1378, G replaced by C.
Protein change: p.Ala460Pro; replaces alanine 460 with proline.
Molecular consequence: missense variant.
Genome position (GRCh38, 1-based): chr2:26,285,560, G>C. VCF-style: chr2-26285560-G-C. GRCh37 (hg19) VCF-style: chr2-26508428-G-C.
Other names: c.1333G>C, p.Ala445Pro (NM_001281512.2); c.1312G>C, p.Ala438Pro (NM_001281513.2); short protein forms A438P, A445P, A460P.
Identifiers: ClinVar variation 4085990 (VCV004085990.8).

ClinVar aggregate classification (germline): Likely pathogenic (1 of 4 stars; one submission).

Submission:

CeGaT Center for Human Genetics Tuebingen
Classification: Likely pathogenic. Last evaluated: 2025-07-01. Review status: criteria provided, single submitter. Criteria: CeGaT Center For Human Genetics Tuebingen Variant Classification Criteria Version 2. Collection method: clinical testing. Allele origin: germline. Affected: yes. Observed: 1 variant allele.
Comment: HADHB: PM1, PM2, PM3:Supporting, PP3